The following is an entry in ClinVar:

ClinVar aggregate classification (germline): Uncertain significance (1 of 4 stars; one submission).

gnomAD v4.1: 1 of 1,557,418 alleles (0.000064%); highest among the groups gnomAD compares: Non-Finnish European, 0.000087%; no homozygotes.

Submission:

GeneDx
Classification: Uncertain significance. Last evaluated: 2023-12-26. Review status: criteria provided, single submitter. Criteria: GeneDx Variant Classification Process June 2021. Collection method: clinical testing. Allele origin: germline. Affected: yes.
Comment: Not observed at significant frequency in large population cohorts (gnomAD); In silico analysis supports that this missense variant does not alter protein structure/function; Has not been previously published as pathogenic or benign to our knowledge

NM_020719.3(PRR12):c.2974C>G (p.Pro992Ala)

Gene: PRR12 (proline rich 12; plus strand). Cytogenetic location: 19q13.33.
Variant type: single nucleotide variant.
Coding change: c.2974C>G on transcript NM_020719.3 (MANE Select); coding-DNA position 2974, C replaced by G.
Protein change: p.Pro992Ala; replaces proline 992 with alanine.
Molecular consequence: missense variant.
Genome position (GRCh38, 1-based): chr19:49,597,309, C>G. VCF-style: chr19-49597309-C-G. GRCh37 (hg19) VCF-style: chr19-50100566-C-G.
Other names: short protein forms P992A.
Identifiers: ClinVar variation 3370254 (VCV003370254.1).
Genomic context (GRCh38, chr19:49,597,309, plus strand): 5'-GGGGACCCCAAGGCTGGCGCTGGGCCACCCCCCGGCCCCCCTGCTTATGATCCCTATGGG[C>G]CCTACTGTCCTGGCCGGGCGTCGGGAGCCGGGCCCGAGACACCGGGCCTGGGCCTGGACC-3'
Protein context (NP_065770.1, residues 982-1002): PGPPAYDPYG[Pro992Ala]YCPGRASGAG